The following is an entry in ClinVar:

NM_007194.4(CHEK2):c.320-2A>G

Gene: CHEK2 (checkpoint kinase 2; minus strand). Cytogenetic location: 22q12.1.
Variant type: single nucleotide variant.
Coding change: c.320-2A>G on transcript NM_007194.4 (MANE Select); the canonical splice acceptor site of the intron before coding-DNA position 320, A replaced by G.
Molecular consequence: splice acceptor variant.
Genome position (GRCh38, 1-based): chr22:28,725,369, T>C on the plus strand (A>G on the coding strand, the complement: CHEK2 is on the minus strand). VCF-style: chr22-28725369-T-C. GRCh37 (hg19) VCF-style: chr22-29121357-T-C.
Other names: c.-344-2A>G (NM_001437942.1); c.320-2A>G (NM_001349956.3, NM_145862.3); c.-458-2A>G (NM_001257387.3); c.413-2A>G (NM_001438295.1, NM_001438293.1); c.449-2A>G (NM_001438294.1, NM_001005735.3).
Identifiers: ClinVar variation 1506291 (VCV001506291.7), dbSNP rs1336652138, ClinGen allele CA411108310.

ClinVar aggregate classification (germline): Likely pathogenic (1 of 4 stars; one submission).

Conditions:
Familial cancer of breast. Also called: hereditary breast carcinoma; Hereditary breast cancer; BREAST CANCER, FAMILIAL. Identifiers: Orphanet 227535, MedGen C0346153, MONDO:0016419, OMIM 114480. Disease mechanism: loss of function.

Allele frequency attached by ClinVar (database versions not stated): gnomAD exomes below 0.00001.
gnomAD v4.1: 1 of 1,614,108 alleles (0.000062%); highest among the groups gnomAD compares: Non-Finnish European, 0.000085%; no homozygotes.

Submission:

Labcorp Genetics (formerly Invitae), Labcorp
Classification: Likely pathogenic for Familial cancer of breast. Last evaluated: 2021-09-01. Review status: criteria provided, single submitter. Criteria: Invitae Variant Classification Sherloc (09022015). Collection method: clinical testing. Allele origin: germline.
Comment: This sequence change affects an acceptor splice site in intron 2 of the CHEK2 gene. It is expected to disrupt RNA splicing. Variants that disrupt the donor or acceptor splice site typically lead to a loss of protein function (PMID: 16199547), and loss-of-function variants in CHEK2 are known to be pathogenic (PMID: 21876083, 24713400). This variant is not present in population databases (ExAC no frequency). Disruption of this splice site has been observed in individual(s) with hereditary breast and/or ovarian cancer (PMID: 24549055). Algorithms developed to predict the effect of sequence changes on RNA splicing suggest that this variant may disrupt the consensus splice site. In summary, the currently available evidence indicates that the variant is pathogenic, but additional data are needed to prove that conclusively. Therefore, this variant has been classified as Likely Pathogenic.

Literature cited by the submitters: PubMed 16199547; PubMed 21876083; PubMed 24713400; PubMed 24549055.